The following is an entry in ClinVar:

NM_206933.4(USH2A):c.15564C>T (p.Ser5188=)

Gene: USH2A (usherin; minus strand). Cytogenetic location: 1q41.
Variant type: single nucleotide variant.
Coding change: c.15564C>T on transcript NM_206933.4 (MANE Select); coding-DNA position 15564, C replaced by T.
Protein change: p.Ser5188=; no amino-acid change (serine 5188 retained).
Molecular consequence: synonymous variant.
Genome position (GRCh38, 1-based): chr1:215,625,826, G>A on the plus strand (C>T on the coding strand, the complement: USH2A is on the minus strand). VCF-style: chr1-215625826-G-A. GRCh37 (hg19) VCF-style: chr1-215799168-G-A.
Other names: c.15564C>T (NM_206933.2).
Identifiers: ClinVar variation 1127371 (VCV001127371.10), dbSNP rs374661521, ClinGen allele CA1392620.
Genomic context (GRCh38, chr1:215,625,826, plus strand): 5'-CTGGGTTTCCATCCTTTACAGGTGGGTGTCTGTGAATGTGGTGCGTTCCTTAGTCACTGA[G>A]CTGAAATCCTTGATGGCGTTCATCAGGTCCTCTTCATCCACATACTGAAAAATAAGCCAA-3'
Protein context (NP_996816.3, residues 5178-5198): EDLMNAIKDF[Ser5188=]SVTKERTTFT

ClinVar aggregate classification (germline): Likely benign. Review status: criteria provided, multiple submitters, no conflicts (2 of 4 stars). 2 submissions from 2 submitters: Likely benign (2). Last evaluated 2025-10-31.

Conditions:
USH2A-related disorder. Also called: USH2A-related condition; USH2A-related disorders. Identifiers: MedGen CN239332.

Allele frequency attached by ClinVar (database versions not stated): gnomAD exomes below 0.00001 and 0.00001; ExAC 0.00002; gnomAD 0.00004 and 0.00005; TOPMed 0.00005; ESP Exome Variant Server 0.00008; 1000 Genomes Project 30x 0.00016; 1000 Genomes Project 0.00020.
gnomAD v4.1: 13 of 1,614,080 alleles (0.00081%); highest among the groups gnomAD compares: African/African-American, 0.016%; no homozygotes.

Submissions (2):

PreventionGenetics, part of Exact Sciences
Classification: Likely benign for USH2A-related condition. Last evaluated: 2025-10-31. Review status: criteria provided, single submitter. Criteria: ACMG Guidelines, 2015. Collection method: clinical testing. Allele origin: germline.
Comment: This variant is classified as likely benign based on ACMG/AMP sequence variant interpretation guidelines (Richards et al. 2015 PMID: 25741868, with internal and published modifications).

Labcorp Genetics (formerly Invitae), Labcorp
Classification: Likely benign. Last evaluated: 2024-09-11. Review status: criteria provided, single submitter. Criteria: Invitae Variant Classification Sherloc (09022015). Collection method: clinical testing. Allele origin: germline.